The following is an entry in ClinVar:

NM_172107.4(KCNQ2):c.431G>A (p.Arg144Gln)

Gene: KCNQ2 (potassium voltage-gated channel subfamily Q member 2; minus strand). Cytogenetic location: 20q13.33.
Variant type: single nucleotide variant.
Coding change: c.431G>A on transcript NM_172107.4 (MANE Select); coding-DNA position 431, G replaced by A.
Protein change: p.Arg144Gln; replaces arginine 144 with glutamine.
Molecular consequence: missense variant.
Genome position (GRCh38, 1-based): chr20:63,445,321, C>T on the plus strand (G>A on the coding strand, the complement: KCNQ2 is on the minus strand). VCF-style: chr20-63445321-C-T. GRCh37 (hg19) VCF-style: chr20-62076674-C-T.
Other names: p.R144Q:CGG>CAG; KCNQ2; c.431G>A, p.Arg144Gln (NM_004518.6, NM_172106.3, NM_172108.5 and 1 more transcripts); short protein forms R144Q.
Identifiers: ClinVar variation 205864 (VCV000205864.59), dbSNP rs796052618, ClinGen allele CA315355.

ClinVar aggregate classification (germline): Pathogenic/Likely pathogenic. Review status: criteria provided, multiple submitters, no conflicts (2 of 4 stars). 10 submissions from 10 submitters: Pathogenic (7); Likely pathogenic (1). 2 of the submissions do not count toward it. Last evaluated 2023-09-06.

Conditions:
Early-infantile DEE. Also called: Ohtahara syndrome; Early infantile epileptic encephalopathy; Early infantile epileptic encephalopathy with suppression bursts. Identifiers: Orphanet 1934, MedGen C0393706, MONDO:0800491.
Developmental and epileptic encephalopathy, 7 (DEE7). Also called: KCNQ2-Related Neonatal Epileptic Encephalopathy; Early infantile epileptic encephalopathy 7; KCNQ2-Related Neonatal-Onset Developmental and Epileptic Encephalopathy (NEO-DEE). Identifiers: Orphanet 439218, MedGen C3150986, MONDO:0013387, OMIM 613720.
KCNQ2-Related Disorders. Also called: KCNQ2-related condition; KCNQ2-related disorder. Identifiers: MedGen CN169299.
Intellectual disability. Also called: Intellectual functioning disability; intellectual disabilities; Intellectual developmental disorder. Identifiers: MedGen C3714756, MeSH D008607, MONDO:0001071, HP:0001249.

Submissions (16):

PreventionGenetics, part of Exact Sciences
Classification: Pathogenic for KCNQ2-related condition. Last evaluated: 2023-09-06. Review status: criteria provided, single submitter. Criteria: ACMG Guidelines, 2015. Collection method: clinical testing. Allele origin: germline.
Comment: The KCNQ2 c.431G>A variant is predicted to result in the amino acid substitution p.Arg144Gln. This variant has been documented as de novo in multiple individuals with KCNQ2 related disorders, and functional studies support its pathogenicity (Table S12, Allen et al. 2013. PubMed ID: 23934111; Table S4, Geisheker et al. 2017. PubMed ID: 28628100; Table S2, Zhu et al. 2017. PubMed ID: 29186148; Table S4, Lindy et al. 2018. PubMed ID: 29655203; Yuskaitis et al. 2018. PubMed ID: 30174244). This variant has not been reported in a large population database, indicating this variant is rare. This variant is interpreted as pathogenic.

Labcorp Genetics (formerly Invitae), Labcorp
Classification: Pathogenic for Early-infantile DEE. Last evaluated: 2023-06-29. Review status: criteria provided, single submitter. Criteria: Invitae Variant Classification Sherloc (09022015). Collection method: clinical testing. Allele origin: germline.
Comment: For these reasons, this variant has been classified as Pathogenic. Experimental studies have shown that this missense change affects KCNQ2 function (PMID: 25740509). Advanced modeling of protein sequence and biophysical properties (such as structural, functional, and spatial information, amino acid conservation, physicochemical variation, residue mobility, and thermodynamic stability) performed at Invitae indicates that this missense variant is expected to disrupt KCNQ2 protein function. ClinVar contains an entry for this variant (Variation ID: 205864). This variant is also known as chr20:62076674 C>T. This missense change has been observed in individual(s) with clinical features of KCNQ2-related conditions (PMID: 23934111). In at least one individual the variant was observed to be de novo. This variant is not present in population databases (gnomAD no frequency). This sequence change replaces arginine, which is basic and polar, with glutamine, which is neutral and polar, at codon 144 of the KCNQ2 protein (p.Arg144Gln).

GeneDx
Classification: Pathogenic. Last evaluated: 2020-10-23. Review status: criteria provided, single submitter. Criteria: GeneDx Variant Classification Process June 2021. Collection method: clinical testing. Allele origin: germline. Affected: yes.
Comment: Not observed in large population cohorts (Lek et al., 2016); Missense variants in this gene are often considered pathogenic (Stenson et al., 2014); In silico analysis supports that this missense variant has a deleterious effect on protein structure/function; This variant is associated with the following publications: (PMID: 32860008, 28628100, 23934111, 25740509, 29186148, 30440138, 29655203, 30174244)

Institute of Medical Genetics and Applied Genomics, University Hospital Tübingen
Classification: Pathogenic. Last evaluated: 2020-10-23. Review status: criteria provided, single submitter. Criteria: ACMG Guidelines, 2015. Collection method: clinical testing. Allele origin: germline. Inheritance: Unknown mechanism. Affected: yes.

Laboratoire Génétique Moléculaire, CHRU TOURS
Classification: Likely pathogenic. Last evaluated: 2020-01-16. Review status: criteria provided, single submitter. Criteria: ACMG Guidelines, 2015. Collection method: clinical testing. Allele origin: de novo. Affected: yes.

CeGaT Center for Human Genetics Tuebingen
Classification: Pathogenic. Last evaluated: 2019-04-01. Review status: criteria provided, single submitter. Criteria: CeGaT Center For Human Genetics Tuebingen Variant Classification Criteria Version 2. Collection method: clinical testing. Allele origin: germline. Affected: yes. Observed: 1 variant allele.

Center of Genomic medicine, Geneva, University Hospital of Geneva
Classification: Pathogenic for Developmental and epileptic encephalopathy, 7. Last evaluated: 2016-06-23. Review status: criteria provided, single submitter. Criteria: ACMG Guidelines, 2015. Collection method: clinical testing. Allele origin: de novo. Affected: yes.

CENTOGENE GmbH and LLC - Guiding Precision Medicine
Classification: Pathogenic for Developmental and epileptic encephalopathy, 7. Review status: criteria provided, single submitter. Criteria: ACMG Guidelines, 2015. Collection method: clinical testing. Allele origin: de novo. Affected: yes.

Diagnostic Laboratory, Strasbourg University Hospital
Classification: Likely pathogenic for Intellectual disability. Last evaluated: 2016-12-01. Review status: no assertion criteria provided. Collection method: clinical testing. Allele origin: de novo. Inheritance: Autosomal dominant inheritance. Affected: yes. Observed: 1 heterozygote. Not counted in ClinVar's aggregate classification.

Channelopathy-Associated Epilepsy Research Center
No classification provided (evidence only). Condition: Complex neurodevelopmental disorder. Review status: no classification provided. Collection method: literature only. Allele origin: not applicable. Functional consequence: Moderate decrease in peak current, Severe slowing of activation, Severe hyperpolarizing shift of voltage dependence of activation. Not counted in ClinVar's aggregate classification.
ClinVar note: "not provided" was previously submitted as the classification for the variant. However, the classification appeared to be based only on an observation of functional data so it was converted to no classification on 2025-07-30.

Channelopathy-Associated Epilepsy Research Center
No classification provided (evidence only). Review status: no classification provided. Collection method: in vitro. Allele origin: not applicable. Functional consequence: Increase in peak current. Not counted in ClinVar's aggregate classification.

Channelopathy-Associated Epilepsy Research Center
No classification provided (evidence only). Review status: no classification provided. Collection method: in vitro. Allele origin: not applicable. Functional consequence: Increase in peak current. Not counted in ClinVar's aggregate classification.

Channelopathy-Associated Epilepsy Research Center
No classification provided (evidence only). Review status: no classification provided. Collection method: in vitro. Allele origin: not applicable. Functional consequence: Hyperpolarizing shift of voltage dependence of activation. Not counted in ClinVar's aggregate classification.

Channelopathy-Associated Epilepsy Research Center
No classification provided (evidence only). Review status: no classification provided. Collection method: in vitro. Allele origin: not applicable. Functional consequence: Normal slope of activation. Not counted in ClinVar's aggregate classification.

Channelopathy-Associated Epilepsy Research Center
No classification provided (evidence only). Review status: no classification provided. Collection method: in vitro. Allele origin: not applicable. Functional consequence: Normal rate of activation. Not counted in ClinVar's aggregate classification.

GeneReviews
No classification provided. Condition: Developmental and epileptic encephalopathy, 7. Review status: no classification provided. Collection method: literature only. Allele origin: germline. Affected: yes. Not counted in ClinVar's aggregate classification.
Comment: Infantile spasms

CHO cells: apparent gain-of-function due to reduction in membrane depolarization requirement for activation, no change in maximal current with strong depolarization, but increased current at rest.

Literature cited by the submitters: PubMed 25740509 (cited by Labcorp Genetics (formerly Invitae), Labcorp and GeneReviews); PubMed 23934111 (cited by Labcorp Genetics (formerly Invitae), Labcorp and GeneReviews); PubMed 32860008 (cited by CENTOGENE GmbH and LLC - Guiding Precision Medicine); PubMed 35104249 (cited by Channelopathy-Associated Epilepsy Research Center); NCBI Bookshelf NBK32534 (cited by GeneReviews).